The following is an entry in ClinVar:

NM_153460.4(IL17RC):c.1646G>A (p.Trp549Ter)

Gene: IL17RC (interleukin 17 receptor C; plus strand). Cytogenetic location: 3p25.3.
Variant type: single nucleotide variant.
Coding change: c.1646G>A on transcript NM_153460.4 (MANE Select); coding-DNA position 1646, G replaced by A.
Protein change: p.Trp549Ter; replaces tryptophan 549 with a stop codon.
Molecular consequence: nonsense. On other transcripts: non-coding transcript variant (1).
Genome position (GRCh38, 1-based): chr3:9,933,076, G>A. VCF-style: chr3-9933076-G-A. GRCh37 (hg19) VCF-style: chr3-9974760-G-A.
Other names: c.1607G>A, p.Trp536Ter (NM_001203263.2); c.1556G>A, p.Trp519Ter (NM_001203264.2); c.1550G>A, p.Trp517Ter (NM_001203265.2); c.1568G>A, p.Trp523Ter (NM_001367278.1); c.1487G>A, p.Trp496Ter (NM_001367279.1); c.1562G>A, p.Trp521Ter (NM_001367280.1); c.1511G>A, p.Trp504Ter (NM_001410711.1); c.1601G>A, p.Trp534Ter (NM_032732.6); and 1 more; short protein forms W523*, W534*, W496*, W517*, W519*, W536*, W549*, W620*.
Identifiers: ClinVar variation 2913689 (VCV002913689.3), dbSNP rs546168782, ClinGen allele CA2247373.

ClinVar aggregate classification (germline): Uncertain significance (1 of 4 stars; one submission).

Conditions:
Candidiasis, familial, 9 (CANDF9). Identifiers: Orphanet 1334, MedGen C4225324, MONDO:0014642, OMIM 616445.

Allele frequency attached by ClinVar (database versions not stated): gnomAD exomes 0.00001; 1000 Genomes Project 30x 0.00031; TOPMed 0.00001; 1000 Genomes Project 0.00020; gnomAD 0.00002; ExAC 0.00001.
gnomAD v4.1: 7 of 1,557,712 alleles (0.00045%); highest among the groups gnomAD compares: Admixed American, 0.0076%; no homozygotes.

Submission:

Labcorp Genetics (formerly Invitae), Labcorp
Classification: Uncertain significance for Candidiasis, familial, 9. Last evaluated: 2025-05-13. Review status: criteria provided, single submitter. Criteria: Invitae Variant Classification Sherloc (09022015). Collection method: clinical testing. Allele origin: germline.
Comment: This sequence change creates a premature translational stop signal (p.Trp620*) in the IL17RC gene. While this is not anticipated to result in nonsense mediated decay, it is expected to disrupt the last 172 amino acid(s) of the IL17RC protein. This variant is present in population databases (rs546168782, gnomAD 0.008%). This variant has not been reported in the literature in individuals affected with IL17RC-related conditions. ClinVar contains an entry for this variant (Variation ID: 2913689). Experimental studies and prediction algorithms are not available or were not evaluated, and the functional significance of this variant is currently unknown. In summary, the available evidence is currently insufficient to determine the role of this variant in disease. Therefore, it has been classified as a Variant of Uncertain Significance.